The following is an entry in ClinVar:

NM_002437.5(MPV17):c.156G>A (p.Leu52=)

Gene: MPV17 (mitochondrial inner membrane protein MPV17; minus strand). Cytogenetic location: 2p23.3.
Variant type: single nucleotide variant.
Coding change: c.156G>A on transcript NM_002437.5 (MANE Select); coding-DNA position 156, G replaced by A.
Protein change: p.Leu52=; no amino-acid change (leucine 52 retained).
Molecular consequence: synonymous variant.
Genome position (GRCh38, 1-based): chr2:27,313,024, C>T on the plus strand (G>A on the coding strand, the complement: MPV17 is on the minus strand). VCF-style: chr2-27313024-C-T. GRCh37 (hg19) VCF-style: chr2-27535891-C-T.
Identifiers: ClinVar variation 594957 (VCV000594957.22), dbSNP rs142493907, ClinGen allele CA1575661.
Genomic context (GRCh38, chr2:27,313,024, plus strand): 5'-CACTGAAGCCCTGTTGAGGGGAGAACTTACCACAAAGCCACAGCCCAGGGACACCATGGT[C>T]AGAGTCCGGCCTCTCTGGTGTTCCTGCAGACCCCGCCTCTCCACCAGCTGCTGTGAGATA-3'
Protein context (NP_002428.1, residues 42-62): GLQEHQRGRT[Leu52=]TMVSLGCGFV

ClinVar aggregate classification (germline): Conflicting classifications of pathogenicity. Review status: criteria provided, conflicting classifications (1 of 4 stars). 5 submissions from 5 submitters: Uncertain significance (1); Likely benign (3). 1 of the submissions does not count toward it. Last evaluated 2026-03-01.

Conditions:
Mitochondrial DNA depletion syndrome 6 (hepatocerebral type). Also called: NAVAJO NEUROPATHY; Mitochondrial DNA depletion syndrome type 6; Navajo neurohepatopathy. Identifiers: Orphanet 255229, MedGen C1850406, MONDO:0009747, OMIM 256810.

Allele frequency attached by ClinVar (database versions not stated): gnomAD exomes 0.00004 and 0.00008; ExAC 0.00011; TOPMed 0.00021; gnomAD 0.00027 and 0.00028; 1000 Genomes Project 30x 0.00047; 1000 Genomes Project 0.00060; ESP Exome Variant Server 0.00062.
gnomAD v4.1: 98 of 1,614,210 alleles (0.0061%); highest among the groups gnomAD compares: African/African-American, 0.11%; no homozygotes.

Submissions (5):

CeGaT Center for Human Genetics Tuebingen
Classification: Likely benign. Last evaluated: 2026-03-01. Review status: criteria provided, single submitter. Criteria: CeGaT Center For Human Genetics Tuebingen Variant Classification Criteria Version 2. Collection method: clinical testing. Allele origin: germline. Affected: yes. Observed: 1 variant allele.
Comment: MPV17: BP4, BP7

Labcorp Genetics (formerly Invitae), Labcorp
Classification: Likely benign. Last evaluated: 2026-01-03. Review status: criteria provided, single submitter. Criteria: Invitae Variant Classification Sherloc (09022015). Collection method: clinical testing. Allele origin: germline.

Blueprint Genetics
Classification: Likely benign. Last evaluated: 2023-12-27. Review status: criteria provided, single submitter. Criteria: ACMG Guidelines, 2015. Collection method: clinical testing. Allele origin: germline.

Eurofins Ntd Llc (ga)
Classification: Uncertain significance. Last evaluated: 2017-11-09. Review status: criteria provided, single submitter. Criteria: EGL Classification Definitions 2015. Collection method: clinical testing. Allele origin: germline. Observed: 2 variant alleles, 2 heterozygotes.

Natera, Inc.
Classification: Likely benign for Navajo neurohepatopathy. Last evaluated: 2020-09-16. Review status: no assertion criteria provided. Collection method: clinical testing. Allele origin: germline. Not counted in ClinVar's aggregate classification.